The following is an entry in ClinVar:

ClinVar aggregate classification (germline): Uncertain significance (1 of 4 stars; one submission).

Conditions:
Neuronopathy, distal hereditary motor, type 7A. Also called: HMN VIIA; SPINAL MUSCULAR ATROPHY, DISTAL, WITH VOCAL CORD PARALYSIS; Neuronopathy, distal hereditary motor, autosomal dominant 7; Neuronopathy, distal hereditary motor, type viia; NEURONOPATHY, DISTAL HEREDITARY MOTOR, HARDING TYPE VIIA; NEUROPATHY, DISTAL HEREDITARY MOTOR, HARDING TYPE VIIA. Identifiers: Orphanet 139589, MedGen C1834703, MONDO:0008024, OMIM 158580.
Congenital myasthenic syndrome 20. Also called: Myasthenic syndrome, congenital, 20, presynaptic. Identifiers: MedGen C4310694, MONDO:0014939, OMIM 617143.

Allele frequency attached by ClinVar (database versions not stated): gnomAD exomes 0.00001; ExAC 0.00002.
gnomAD v4.1: 4 of 1,613,422 alleles (0.00025%); highest among the groups gnomAD compares: Admixed American, 0.0067%; no homozygotes.

Submission:

Labcorp Genetics (formerly Invitae), Labcorp
Classification: Uncertain significance for Neuronopathy, distal hereditary motor, type 7A; Congenital myasthenic syndrome 20. Last evaluated: 2025-03-20. Review status: criteria provided, single submitter. Criteria: Invitae Variant Classification Sherloc (09022015). Collection method: clinical testing. Allele origin: germline.
Comment: This sequence change replaces methionine, which is neutral and non-polar, with leucine, which is neutral and non-polar, at codon 345 of the SLC5A7 protein (p.Met345Leu). This variant is present in population databases (rs769383404, gnomAD 0.009%). This variant has not been reported in the literature in individuals affected with SLC5A7-related conditions. ClinVar contains an entry for this variant (Variation ID: 950121). Invitae Evidence Modeling of protein sequence and biophysical properties (such as structural, functional, and spatial information, amino acid conservation, physicochemical variation, residue mobility, and thermodynamic stability) indicates that this missense variant is expected to disrupt SLC5A7 protein function with a positive predictive value of 80%. In summary, the available evidence is currently insufficient to determine the role of this variant in disease. Therefore, it has been classified as a Variant of Uncertain Significance.

NM_021815.5(SLC5A7):c.1033A>T (p.Met345Leu)

Gene: SLC5A7 (solute carrier family 5 member 7; plus strand). Cytogenetic location: 2q12.3.
Variant type: single nucleotide variant.
Coding change: c.1033A>T on transcript NM_021815.5 (MANE Select); coding-DNA position 1033, A replaced by T.
Protein change: p.Met345Leu; replaces methionine 345 with leucine.
Molecular consequence: missense variant.
Genome position (GRCh38, 1-based): chr2:108,008,602, A>T. VCF-style: chr2-108008602-A-T. GRCh37 (hg19) VCF-style: chr2-108625058-A-T.
Other names: c.1033A>T, p.Met345Leu (NM_001305005.3); c.718A>T, p.Met240Leu (NM_001305006.3); c.292A>T, p.Met98Leu (NM_001305007.3); short protein forms M240L, M98L, M345L.
Identifiers: ClinVar variation 950121 (VCV000950121.7), dbSNP rs769383404, ClinGen allele CA1819105.
Genomic context (GRCh38, chr2:108,008,602, plus strand): 5'-CAGTATCTCTGCCCTGTGTATATTTCTTTCTTTGGTCTTGGTGCAGTTTCTGCTGCTGTT[A>T]TGTCATCAGCAGATTCTTCCATCTTGTCAGCAAGTTCCATGTTTGCACGGAACATCTACC-3'
Protein context (NP_068587.1, residues 335-355): FGLGAVSAAV[Met345Leu]SSADSSILSA